The following is an entry in ClinVar:

ClinVar aggregate classification (germline): Pathogenic (1 of 4 stars; one submission).

Conditions:
Hepatic veno-occlusive disease-immunodeficiency syndrome. Also called: Hepatic Veno-Occlusive Disease with Immunodeficiency. Identifiers: Orphanet 79124, MedGen C1856128, MONDO:0009338, OMIM 235550. Disease mechanism: loss of function.

Submission:

Labcorp Genetics (formerly Invitae), Labcorp
Classification: Pathogenic for Hepatic veno-occlusive disease-immunodeficiency syndrome. Last evaluated: 2022-05-04. Review status: criteria provided, single submitter. Criteria: Invitae Variant Classification Sherloc (09022015). Collection method: clinical testing. Allele origin: germline.
Comment: This sequence change creates a premature translational stop signal (p.Ser356*) in the SP110 gene. It is expected to result in an absent or disrupted protein product. Loss-of-function variants in SP110 are known to be pathogenic (PMID: 16648851, 22621957). This variant is not present in population databases (gnomAD no frequency). This variant has not been reported in the literature in individuals affected with SP110-related conditions. Algorithms developed to predict the effect of sequence changes on RNA splicing suggest that this variant may disrupt the consensus splice site. For these reasons, this variant has been classified as Pathogenic.

Literature cited by the submitters: PubMed 16648851; PubMed 22621957.

NM_080424.4(SP110):c.1067C>A (p.Ser356Ter)

Genes: SP110 (SP110 nuclear body protein; minus strand), SP140 (SP140 nuclear body protein; plus strand). Cytogenetic location: 2q37.1.
Variant type: single nucleotide variant.
Coding change: c.1067C>A on transcript NM_080424.4 (MANE Select); coding-DNA position 1067, C replaced by A.
Protein change: p.Ser356Ter; replaces serine 356 with a stop codon.
Molecular consequence: nonsense.
Genome position (GRCh38, 1-based): chr2:230,200,947, G>T on the plus strand (C>A on the coding strand, the complement: SP110 is on the minus strand). VCF-style: chr2-230200947-G-T. GRCh37 (hg19) VCF-style: chr2-231065663-G-T.
Other names: c.1085C>A, p.Ser362Ter (NM_001185015.2, NM_001378442.1, NM_001378444.1 and 2 more transcripts); c.1067C>A, p.Ser356Ter (NM_001378443.1, NM_004509.5, NM_004510.4); c.917C>A, p.Ser306Ter (NM_001378447.1); short protein forms S356*, S306*, S362*.
Identifiers: ClinVar variation 2155154 (VCV002155154.4), dbSNP rs775810248, ClinGen allele CA350910838.
Genomic context (GRCh38, chr2:230,200,947, plus strand): 5'-TGTGTGACCCTTCGTGGTGTACTAGGCGTCTTCTGGGACCTCTTTCCTTCATTCATTTCT[G>T]AAGTGCCATCAATGATCTCTGGAAAATGAAAGATCTTAGTAAATGCCCCTTGGGAAACAC-3'